The following is an entry in ClinVar:

NM_181882.3(PRX):c.3562_3570del (p.Pro1188_Val1190del)

Gene: PRX (periaxin; minus strand). Cytogenetic location: 19q13.2.
Variant type: Deletion.
Coding change: c.3562_3570del on transcript NM_181882.3 (MANE Select); coding-DNA positions 3562 to 3570, 9 bases deleted (CCCCAGGTG; older notation c.3562_3570delCCCCAGGTG).
Protein change: p.Pro1188_Val1190del.
Molecular consequence: inframe deletion. On other transcripts: 3 prime UTR variant (1), inframe indel (1).
Genome position (GRCh38, 1-based): chr19:40,394,782-40,394,790, CACCTGGGG deleted on the plus strand (CCCCAGGTG on the coding strand, the reverse complement: PRX is on the minus strand); deleting any 9 consecutive bases within chr19:40,394,782-40,394,796 gives the same sequence; the c. name uses the placement nearest the transcript's 3' end. VCF-style (leftmost placement, unchanged base first): chr19-40394781-TCACCTGGGG-T. GRCh37 (hg19) VCF-style: chr19-40900688-TCACCTGGGG-T.
Other names: c.3847_3855del, p.Pro1283_Val1285del (NM_001411127.1); c.*3767_*3775del (NM_020956.2); c.3556_3564delCAGGTGCCC, p.Pro1188_Val1190del (NM_181882.2).
Identifiers: ClinVar variation 4075579 (VCV004075579.1).
Genomic context (GRCh38, chr19:40,394,781, plus strand): 5'-AGACACCCTCACCCACCAGCAGCTCACCACCTGCAACCTGGGCTCCAGGCAGAGACAGGG[TCACCTGGGG>T]CACCTGAACCCTGTAGCCTGCTGTGCCCTCTGCTGAAGGGACTGTACTCTGAGCCTGCTG-3'

ClinVar aggregate classification (germline): Uncertain significance (1 of 4 stars; one submission).

Submission:

GeneDx
Classification: Uncertain significance. Last evaluated: 2025-02-14. Review status: criteria provided, single submitter. Criteria: GeneDx Variant Classification Process June 2021. Collection method: clinical testing. Allele origin: germline. Affected: yes.
Comment: Not observed at significant frequency in large population cohorts (gnomAD); In-frame deletion of 3 amino acid(s) in a non-repeat region; In silico analysis indicates that this variant does not alter protein structure/function; Has not been previously published as pathogenic or benign to our knowledge